The following is an entry in ClinVar:

ClinVar aggregate classification (germline): Benign/Likely benign. Review status: criteria provided, multiple submitters, no conflicts (2 of 4 stars). 3 submissions from 3 submitters: Benign (2); Likely benign (1). Last evaluated 2026-09-07.

Conditions:
TRIO-related disorder. Also called: TRIO-related disorders; TRIO-related condition.

Allele frequency attached by ClinVar (database versions not stated): gnomAD exomes 0.00006 and 0.00013; ExAC 0.00007; ESP Exome Variant Server 0.00008; gnomAD 0.00011 and 0.00014; TOPMed 0.00014.
gnomAD v4.1: 117 of 1,614,066 alleles (0.0072%); highest among the groups gnomAD compares: Admixed American, 0.022%; 1 homozygote.

Submissions (3):

PreventionGenetics, part of Exact Sciences
Classification: Likely benign for TRIO-related condition. Last evaluated: 2026-09-07. Review status: criteria provided, single submitter. Criteria: ACMG Guidelines, 2015. Collection method: clinical testing. Allele origin: germline.
Comment: This variant is classified as likely benign based on ACMG/AMP sequence variant interpretation guidelines (Richards et al. 2015 PMID: 25741868, with internal and published modifications).

GeneDx
Classification: Benign. Last evaluated: 2021-07-30. Review status: criteria provided, single submitter. Criteria: GeneDx Variant Classification Process June 2021. Collection method: clinical testing. Allele origin: germline. Affected: yes.

Labcorp Genetics (formerly Invitae), Labcorp
Classification: Benign. Last evaluated: 2019-12-31. Review status: criteria provided, single submitter. Criteria: Invitae Variant Classification Sherloc (09022015). Collection method: clinical testing. Allele origin: germline.

NM_007118.4(TRIO):c.8104G>A (p.Val2702Ile)

Genes: TRIO (trio Rho guanine nucleotide exchange factor; plus strand), LOC126807323 (CDK7 strongly-dependent group 2 enhancer GRCh37_chr5:14497716-14498915; plus strand). Cytogenetic location: 5p15.2.
Variant type: single nucleotide variant.
Coding change: c.8104G>A on transcript NM_007118.4 (MANE Select); coding-DNA position 8104, G replaced by A.
Protein change: p.Val2702Ile; replaces valine 2702 with isoleucine.
Molecular consequence: missense variant. On other transcripts: non-coding transcript variant (1).
Genome position (GRCh38, 1-based): chr5:14,498,145, G>A. VCF-style: chr5-14498145-G-A. GRCh37 (hg19) VCF-style: chr5-14498254-G-A.
Other names: short protein forms V2702I.
Identifiers: ClinVar variation 747514 (VCV000747514.7), dbSNP rs200412299, ClinGen allele CA3207739.